The following is an entry in ClinVar:

ClinVar aggregate classification (germline): Uncertain significance. Review status: criteria provided, multiple submitters, no conflicts (2 of 4 stars). 2 submissions from 2 submitters: Uncertain significance (2). Last evaluated 2026-03-05.

Conditions:
MKKS-related disorder. Also called: MKKS-related disorders; MKKS-related condition.
Bardet-Biedl syndrome (BBS). Identifiers: Orphanet 110, MedGen C0752166, MONDO:0015229.
McKusick-Kaufman syndrome (MKKS). Also called: HYDROMETROCOLPOS SYNDROME; HYDROMETROCOLPOS, POSTAXIAL POLYDACTYLY, AND CONGENITAL HEART MALFORMATION. Identifiers: Orphanet 2473, MedGen C0948368, MONDO:0009367, OMIM 236700.

Submissions (2):

PreventionGenetics, part of Exact Sciences
Classification: Uncertain significance for MKKS-related condition. Last evaluated: 2026-03-05. Review status: criteria provided, single submitter. Criteria: ACMG Guidelines, 2015. Collection method: clinical testing. Allele origin: germline.
Comment: The MKKS c.607C>T variant is predicted to result in the amino acid substitution p.Pro203Ser. To our knowledge, this variant has not been reported in the literature or in a large population database (gnomAD), indicating this variant is rare. At this time, the clinical significance of this variant is uncertain due to the absence of conclusive functional and genetic evidence.

Labcorp Genetics (formerly Invitae), Labcorp
Classification: Uncertain significance for McKusick-Kaufman syndrome; Bardet-Biedl syndrome. Last evaluated: 2022-08-16. Review status: criteria provided, single submitter. Criteria: Invitae Variant Classification Sherloc (09022015). Collection method: clinical testing. Allele origin: germline.
Comment: This variant is not present in population databases (gnomAD no frequency). In summary, the available evidence is currently insufficient to determine the role of this variant in disease. Therefore, it has been classified as a Variant of Uncertain Significance. Algorithms developed to predict the effect of missense changes on protein structure and function are either unavailable or do not agree on the potential impact of this missense change (SIFT: "Deleterious"; PolyPhen-2: "Benign"; Align-GVGD: "Class C0"). This variant has not been reported in the literature in individuals affected with MKKS-related conditions. This sequence change replaces proline, which is neutral and non-polar, with serine, which is neutral and polar, at codon 203 of the MKKS protein (p.Pro203Ser).

NM_170784.3(MKKS):c.607C>T (p.Pro203Ser)

Gene: MKKS (MKKS centrosomal shuttling protein; minus strand). Cytogenetic location: 20p12.2.
Variant type: single nucleotide variant.
Coding change: c.607C>T on transcript NM_170784.3 (MANE Select); coding-DNA position 607, C replaced by T.
Protein change: p.Pro203Ser; replaces proline 203 with serine.
Molecular consequence: missense variant.
Genome position (GRCh38, 1-based): chr20:10,412,908, G>A on the plus strand (C>T on the coding strand, the complement: MKKS is on the minus strand). VCF-style: chr20-10412908-G-A. GRCh37 (hg19) VCF-style: chr20-10393556-G-A.
Other names: c.607C>T, p.Pro203Ser (NM_018848.3); short protein forms P203S.
Identifiers: ClinVar variation 2065011 (VCV002065011.3), dbSNP rs2514496373, ClinGen allele CA408232734.